The following is an entry in ClinVar:

NM_001036.6(RYR3):c.14443G>C (p.Glu4815Gln)

Genes: AVEN (apoptosis and caspase activation inhibitor; minus strand), RYR3 (ryanodine receptor 3; plus strand). Cytogenetic location: 15q14.
Variant type: single nucleotide variant.
Coding change: c.14443G>C on transcript NM_001036.6 (MANE Select); coding-DNA position 14443, G replaced by C.
Protein change: p.Glu4815Gln; replaces glutamic acid 4815 with glutamine.
Molecular consequence: missense variant.
Genome position (GRCh38, 1-based): chr15:33,861,156, G>C. VCF-style: chr15-33861156-G-C. GRCh37 (hg19) VCF-style: chr15-34153357-G-C.
Other names: c.14428G>C, p.Glu4810Gln (NM_001243996.4); short protein forms E4810Q, E4815Q.
Identifiers: ClinVar variation 1042767 (VCV001042767.8), dbSNP rs1459857507, ClinGen allele CA391594662.
Genomic context (GRCh38, chr15:33,861,156, plus strand): 5'-GGGATTGGCAATGACTACTTTGACACAACCCCTCATGGTTTTGAAACACATACATTACAA[G>C]AGCACAACTTAGCCAACTACTTGTGAGTATTCTTGGTTAACAAAAGTAATGGCAGCTGTA-3'
Protein context (NP_001027.3, residues 4805-4825): PHGFETHTLQ[Glu4815Gln]HNLANYLFFL

ClinVar aggregate classification (germline): Uncertain significance (1 of 4 stars; one submission).

Conditions:
Epileptic encephalopathy. Identifiers: MedGen C0543888, HP:0200134.

Submission:

Labcorp Genetics (formerly Invitae), Labcorp
Classification: Uncertain significance for Epileptic encephalopathy. Last evaluated: 2020-06-09. Review status: criteria provided, single submitter. Criteria: Invitae Variant Classification Sherloc (09022015). Collection method: clinical testing. Allele origin: germline.
Comment: In summary, the available evidence is currently insufficient to determine the role of this variant in disease. Therefore, it has been classified as a Variant of Uncertain Significance. Algorithms developed to predict the effect of missense changes on protein structure and function are either unavailable or do not agree on the potential impact of this missense change (SIFT: "Deleterious"; PolyPhen-2: "Probably Damaging"; Align-GVGD: "Class C0"). This variant has not been reported in the literature in individuals with RYR3-related conditions. This variant is not present in population databases (ExAC no frequency). This sequence change replaces glutamic acid with glutamine at codon 4815 of the RYR3 protein (p.Glu4815Gln). The glutamic acid residue is highly conserved and there is a small physicochemical difference between glutamic acid and glutamine.